The following is an entry in ClinVar:

NM_001277115.2(DNAH11):c.8653T>C (p.Tyr2885His)

Gene: DNAH11 (dynein axonemal heavy chain 11; plus strand). Cytogenetic location: 7p15.3.
Variant type: single nucleotide variant.
Coding change: c.8653T>C on transcript NM_001277115.2 (MANE Select); coding-DNA position 8653, T replaced by C.
Protein change: p.Tyr2885His; replaces tyrosine 2885 with histidine.
Molecular consequence: missense variant.
Genome position (GRCh38, 1-based): chr7:21,748,722, T>C. VCF-style: chr7-21748722-T-C. GRCh37 (hg19) VCF-style: chr7-21788340-T-C.
Other names: c.8674T>C, p.Tyr2892His (NM_003777.3); short protein forms Y2885H, Y2892H.
Identifiers: ClinVar variation 2200533 (VCV002200533.4), dbSNP rs2535131088, ClinGen allele CA366955491.

ClinVar aggregate classification (germline): Uncertain significance (1 of 4 stars; one submission).

Conditions:
Primary ciliary dyskinesia. Also called: Ciliary dyskinesia. Identifiers: Orphanet 244, MedGen C0008780, MONDO:0016575, HP:0012265.

gnomAD v4.1: 5 of 1,613,282 alleles (0.00031%); highest among the groups gnomAD compares: Non-Finnish European, 0.00025%; no homozygotes.

Submission:

Labcorp Genetics (formerly Invitae), Labcorp
Classification: Uncertain significance for Primary ciliary dyskinesia. Last evaluated: 2022-03-27. Review status: criteria provided, single submitter. Criteria: Invitae Variant Classification Sherloc (09022015). Collection method: clinical testing. Allele origin: germline.
Comment: Advanced modeling of protein sequence and biophysical properties (such as structural, functional, and spatial information, amino acid conservation, physicochemical variation, residue mobility, and thermodynamic stability) performed at Invitae indicates that this missense variant is not expected to disrupt DNAH11 protein function. In summary, the available evidence is currently insufficient to determine the role of this variant in disease. Therefore, it has been classified as a Variant of Uncertain Significance. This variant has not been reported in the literature in individuals affected with DNAH11-related conditions. This variant is not present in population databases (gnomAD no frequency). This sequence change replaces tyrosine, which is neutral and polar, with histidine, which is basic and polar, at codon 2885 of the DNAH11 protein (p.Tyr2885His).